The following is an entry in ClinVar:

ClinVar aggregate classification (germline): Likely pathogenic (1 of 4 stars; one submission).

Submission:

Dasa
Classification: Likely pathogenic. Last evaluated: 2026-02-28. Review status: criteria provided, single submitter. Criteria: DASA Assertion Criteria. Collection method: clinical testing. Allele origin: germline.
Comment: NM_201525.4(ADGRG1):c.1851G>A (p.Trp617*) introduces a premature termination codon predicted to result in loss of normal protein function. Loss-of-function is an established mechanism of disease for this gene. The variant is present at low frequency in population datasets. Based on the available data, this variant is classified as likely pathogenic.

NM_201525.4(ADGRG1):c.1851G>A (p.Trp617Ter)

Gene: ADGRG1 (adhesion G protein-coupled receptor G1; plus strand). Cytogenetic location: 16q21.
Variant type: single nucleotide variant.
Coding change: c.1851G>A on transcript NM_201525.4 (MANE Select); coding-DNA position 1851, G replaced by A.
Protein change: p.Trp617Ter; replaces tryptophan 617 with a stop codon.
Molecular consequence: nonsense.
Genome position (GRCh38, 1-based): chr16:57,661,883, G>A. VCF-style: chr16-57661883-G-A. GRCh37 (hg19) VCF-style: chr16-57695795-G-A.
Other names: c.1851G>A, p.Trp617Ter (NM_001145770.3, NM_001145772.3, NM_001145774.3 and 7 more transcripts); c.1869G>A, p.Trp623Ter (NM_001145771.3, NM_001370428.1, NM_001370429.1 and 4 more transcripts); c.1866G>A, p.Trp622Ter (NM_001145773.3, NM_001370433.1, NM_001370434.1); c.1359G>A, p.Trp453Ter (NM_001290142.2); c.1344G>A, p.Trp448Ter (NM_001290143.2); c.1326G>A, p.Trp442Ter (NM_001290144.2, NM_001370451.1, NM_001370453.1 and 1 more transcripts); c.1848G>A, p.Trp616Ter (NM_001370441.1); c.1695G>A, p.Trp565Ter (NM_001370442.1); short protein forms W442*, W448*, W453*, W565*, W616*, W617*, W622*, W623*.
Identifiers: ClinVar variation 4851790 (VCV004851790.1).